The following is an entry in ClinVar:

NM_002907.4(RECQL):c.1485T>G (p.Asp495Glu)

Gene: RECQL (RecQ like helicase; minus strand). Cytogenetic location: 12p12.1.
Variant type: single nucleotide variant.
Coding change: c.1485T>G on transcript NM_002907.4 (MANE Select); coding-DNA position 1485, T replaced by G.
Protein change: p.Asp495Glu; replaces aspartic acid 495 with glutamic acid.
Molecular consequence: missense variant.
Genome position (GRCh38, 1-based): chr12:21,471,610, A>C on the plus strand (T>G on the coding strand, the complement: RECQL is on the minus strand). VCF-style: chr12-21471610-A-C. GRCh37 (hg19) VCF-style: chr12-21624544-A-C.
Other names: c.1485T>G, p.Asp495Glu (NM_032941.3); short protein forms D495E.
Identifiers: ClinVar variation 1773661 (VCV001773661.2), dbSNP rs2540322336, ClinGen allele CA384116315.

ClinVar aggregate classification (germline): Uncertain significance (1 of 4 stars; one submission).

Submission:

Ambry Genetics
Classification: Uncertain significance. Last evaluated: 2021-10-30. Review status: criteria provided, single submitter. Criteria: Ambry Variant Classification Scheme 2023. Collection method: clinical testing. Allele origin: germline.
Comment: The p.D495E variant (also known as c.1485T>G), located in coding exon 12 of the RECQL gene, results from a T to G substitution at nucleotide position 1485. The aspartic acid at codon 495 is replaced by glutamic acid, an amino acid with highly similar properties. This amino acid position is conserved. In addition, this alteration is predicted to be tolerated by in silico analysis. Since supporting evidence is limited at this time, the clinical significance of this alteration remains unclear.